The following is an entry in ClinVar:

NC_000009.11:g.(?_139981452)_(140003043_?)del

Gene: MAN1B1 (mannosidase alpha class 1B member 1; plus strand). Cytogenetic location: 9q34.3.
Variant type: Deletion.
Identifiers: ClinVar variation 3245243 (VCV003245243.1).

ClinVar aggregate classification (germline): Pathogenic (1 of 4 stars; one submission).

Conditions:
Rafiq syndrome (RAFQS). Identifiers: Orphanet 88616, MedGen C3280127, MONDO:0013624, OMIM 614202.

Submission:

Labcorp Genetics (formerly Invitae), Labcorp
Classification: Pathogenic for Rafiq syndrome. Last evaluated: 2024-01-25. Review status: criteria provided, single submitter. Criteria: Invitae Variant Classification Sherloc (09022015). Collection method: clinical testing. Allele origin: unknown.
Comment: A gross deletion of the genomic region encompassing the full coding sequence of the MAN1B1 gene has been identified. Loss-of-function variants in MAN1B1 are known to be pathogenic (PMID: 24566669). The boundaries of this event are unknown as they extend beyond the assayed region for this gene and therefore may encompass additional genes. This variant has not been reported in the literature in individuals affected with MAN1B1-related conditions. For these reasons, this variant has been classified as Pathogenic.

Literature cited by the submitters: PubMed 24566669.